The following is an entry in ClinVar:

NM_002645.4(PIK3C2A):c.4957C>T (p.Arg1653Trp)

Gene: PIK3C2A (phosphatidylinositol-4-phosphate 3-kinase catalytic subunit type 2 alpha; minus strand). Cytogenetic location: 11p15.1.
Variant type: single nucleotide variant.
Coding change: c.4957C>T on transcript NM_002645.4 (MANE Select); coding-DNA position 4957, C replaced by T.
Protein change: p.Arg1653Trp; replaces arginine 1653 with tryptophan.
Molecular consequence: missense variant.
Genome position (GRCh38, 1-based): chr11:17,089,842, G>A on the plus strand (C>T on the coding strand, the complement: PIK3C2A is on the minus strand). VCF-style: chr11-17089842-G-A. GRCh37 (hg19) VCF-style: chr11-17111389-G-A.
Other names: c.4957C>T, p.Arg1653Trp (NM_001321378.2); c.3817C>T, p.Arg1273Trp (NM_001321380.2); c.4789C>T, p.Arg1597Trp (NM_001386870.1); short protein forms R1273W, R1653W, R1597W.
Identifiers: ClinVar variation 1937047 (VCV001937047.3), dbSNP rs771353244, ClinGen allele CA5900402.

ClinVar aggregate classification (germline): Uncertain significance (1 of 4 stars; one submission).

Allele frequency attached by ClinVar (database versions not stated): TOPMed 0.00001; gnomAD 0.00003; ExAC 0.00004.
gnomAD v4.1: 27 of 1,613,378 alleles (0.0017%); highest among the groups gnomAD compares: East Asian, 0.0067%; no homozygotes.

Submission:

Labcorp Genetics (formerly Invitae), Labcorp
Classification: Uncertain significance. Last evaluated: 2023-10-13. Review status: criteria provided, single submitter. Criteria: Invitae Variant Classification Sherloc (09022015). Collection method: clinical testing. Allele origin: germline.
Comment: This sequence change replaces arginine, which is basic and polar, with tryptophan, which is neutral and slightly polar, at codon 1653 of the PIK3C2A protein (p.Arg1653Trp). This variant is present in population databases (rs771353244, gnomAD 0.01%). This variant has not been reported in the literature in individuals affected with PIK3C2A-related conditions. ClinVar contains an entry for this variant (Variation ID: 1937047). An algorithm developed to predict the effect of missense changes on protein structure and function (PolyPhen-2) suggests that this variant is likely to be disruptive. In summary, the available evidence is currently insufficient to determine the role of this variant in disease. Therefore, it has been classified as a Variant of Uncertain Significance.